The following is an entry in ClinVar:

NM_000565.4(IL6R):c.808-3C>T

Gene: IL6R (interleukin 6 receptor; plus strand). Cytogenetic location: 1q21.3.
Variant type: single nucleotide variant.
Coding change: c.808-3C>T on transcript NM_000565.4 (MANE Select); 3 bases into the intron before coding-DNA position 808, C replaced by T.
Molecular consequence: intron variant.
Genome position (GRCh38, 1-based): chr1:154,435,966, C>T. VCF-style: chr1-154435966-C-T. GRCh37 (hg19) VCF-style: chr1-154408442-C-T.
Other names: c.808-3C>T (NM_001382771.1, NM_001382773.1, NM_001382770.1 and 3 more transcripts); c.808-9C>T (NM_001382772.1); c.448-3C>T (NM_001382774.1).
Identifiers: ClinVar variation 2197971 (VCV002197971.1), dbSNP rs368307223, ClinGen allele CA1129138.
Genomic context (GRCh38, chr1:154,435,966, plus strand): 5'-GGGTGCTACCTGCCCAGCACCATCCTGGATACCTCCCCAGAGTCACCGTGCCCCCGCCCT[C>T]AGGTCAAGGACCTCCAGCATCACTGTGTCATCCACGACGCCTGGAGCGGCCTGAGGCACG-3'

ClinVar aggregate classification (germline): Uncertain significance (1 of 4 stars; one submission).

Allele frequency attached by ClinVar (database versions not stated): gnomAD 0.00001; ExAC 0.00003; gnomAD exomes 0.00003; TOPMed 0.00003; ESP Exome Variant Server 0.00008.
gnomAD v4.1: 39 of 1,596,318 alleles (0.0024%); highest among the groups gnomAD compares: Non-Finnish European, 0.0032%; no homozygotes.

Submission:

Labcorp Genetics (formerly Invitae), Labcorp
Classification: Uncertain significance. Last evaluated: 2022-07-25. Review status: criteria provided, single submitter. Criteria: Invitae Variant Classification Sherloc (09022015). Collection method: clinical testing. Allele origin: germline.
Comment: This sequence change falls in intron 5 of the IL6R gene. It does not directly change the encoded amino acid sequence of the IL6R protein. It affects a nucleotide within the consensus splice site. This variant is present in population databases (rs368307223, gnomAD 0.006%). This variant has not been reported in the literature in individuals affected with IL6R-related conditions. Variants that disrupt the consensus splice site are a relatively common cause of aberrant splicing (PMID: 17576681, 9536098). Algorithms developed to predict the effect of sequence changes on RNA splicing suggest that this variant is not likely to affect RNA splicing. In summary, the available evidence is currently insufficient to determine the role of this variant in disease. Therefore, it has been classified as a Variant of Uncertain Significance.

Literature cited by the submitters: PubMed 17576681; PubMed 9536098.